The following is an entry in ClinVar:

NM_000681.4(ADRA2A):c.642G>T (p.Ser214=)

Gene: ADRA2A (adrenoceptor alpha 2A; plus strand). Cytogenetic location: 10q25.2.
Variant type: single nucleotide variant.
Coding change: c.642G>T on transcript NM_000681.4 (MANE Select); coding-DNA position 642, G replaced by T.
Protein change: p.Ser214=; no amino-acid change (serine 214 retained).
Molecular consequence: synonymous variant.
Genome position (GRCh38, 1-based): chr10:111,078,638, G>T. VCF-style: chr10-111078638-G-T. GRCh37 (hg19) VCF-style: chr10-112838396-G-T.
Identifiers: ClinVar variation 3347064 (VCV003347064.1).
Genomic context (GRCh38, chr10:111,078,638, plus strand): 5'-CGGCCCGCAGCCGGCCGAGCCGCGCTGCGAGATCAACGACCAGAAGTGGTACGTCATCTC[G>T]TCGTGCATCGGCTCCTTCTTCGCTCCCTGCCTCATCATGATCCTGGTCTACGTGCGCATC-3'
Protein context (NP_000672.3, residues 204-224): EINDQKWYVI[Ser214=]SCIGSFFAPC

ClinVar aggregate classification (germline): Likely benign (0 of 4 stars; one submission).

Conditions:
ADRA2A-related disorder. Also called: ADRA2A-related condition.

Submission:

PreventionGenetics, part of Exact Sciences
Classification: Likely benign for ADRA2A-related condition. Last evaluated: 2024-05-02. Review status: no assertion criteria provided. Collection method: clinical testing. Allele origin: germline.
Comment: This variant is classified as likely benign based on ACMG/AMP sequence variant interpretation guidelines (Richards et al. 2015 PMID: 25741868, with internal and published modifications).